The following is an entry in ClinVar:

ClinVar aggregate classification (germline): Uncertain significance. Review status: criteria provided, multiple submitters, no conflicts (2 of 4 stars). 3 submissions from 3 submitters: Uncertain significance (3). Last evaluated 2025-12-17.

Conditions:
Cardiomyopathy (CMYO). Also called: Cardiomyopathies. Identifiers: Orphanet 167848, MedGen C0878544, MONDO:0004994, HP:0001638. Inheritance: Various modes of inheritance.
Arrhythmogenic right ventricular dysplasia 8 (ARVD8). Also called: ARRHYTHMOGENIC RIGHT VENTRICULAR DYSPLASIA, FAMILIAL, 8; ARRHYTHMOGENIC RIGHT VENTRICULAR CARDIOMYOPATHY 8; Arrhythmogenic Right Ventricular Dysplasia/Cardiomyopathy 8. Identifiers: MedGen C1843896, MONDO:0011831, OMIM 607450.
Arrhythmogenic cardiomyopathy with wooly hair and keratoderma. Also called: PALMOPLANTAR KERATODERMA WITH LEFT VENTRICULAR CARDIOMYOPATHY AND WOOLLY HAIR; Carvajal syndrome; Dilated cardiomyopathy with woolly hair and keratoderma; Arrhythmogenic cardiomyopathy with woolly hair and keratoderma. Identifiers: Orphanet 65282, MedGen C1854063, MONDO:0011581, OMIM 605676.

Submissions (3):

Labcorp Genetics (formerly Invitae), Labcorp
Classification: Uncertain significance for Arrhythmogenic cardiomyopathy with wooly hair and keratoderma; Arrhythmogenic right ventricular dysplasia 8. Last evaluated: 2025-12-17. Review status: criteria provided, single submitter. Criteria: Invitae Variant Classification Sherloc (09022015). Collection method: clinical testing. Allele origin: germline.
Comment: This variant, c.5788_5793del, results in the deletion of 2 amino acid(s) of the DSP protein (p.Thr1930_Glu1931del), but otherwise preserves the integrity of the reading frame. This variant is present in population databases (no rsID available, gnomAD 0.003%). This variant has not been reported in the literature in individuals affected with DSP-related conditions. ClinVar contains an entry for this variant (Variation ID: 3075013). Experimental studies and prediction algorithms are not available or were not evaluated, and the functional significance of this variant is currently unknown. In summary, the available evidence is currently insufficient to determine the role of this variant in disease. Therefore, it has been classified as a Variant of Uncertain Significance.

All of Us Research Program, National Institutes of Health
Classification: Uncertain significance for Arrhythmogenic cardiomyopathy with wooly hair and keratoderma. Last evaluated: 2024-04-16. Review status: criteria provided, single submitter. Criteria: ACMG Guidelines, 2015. Collection method: clinical testing. Allele origin: germline. Inheritance: Autosomal dominant inheritance. Observed: 2 variant alleles, 2 heterozygotes.
Comment: This variant causes an in-frame deletion of two amino acids at codons 1930 and 1931 in the DSP protein. To our knowledge, functional studies have not been reported for this variant. This variant has not been reported in individuals affected with DSP-related disorders in the literature. This variant has been identified in 1/250868 chromosomes in the general population by the Genome Aggregation Database (gnomAD). The available evidence is insufficient to determine the role of this variant in disease conclusively. Therefore, this variant is classified as a Variant of Uncertain Significance.

This study involves interpretation of variants in research participants for the purpose of population health screening. Participant phenotype was not available at the time of variant classification. Additional details can be found in publication PMID: 35346344, PMCID: PMC8962531

Color Diagnostics, LLC DBA Color Health
Classification: Uncertain significance for Cardiomyopathy. Last evaluated: 2024-03-25. Review status: criteria provided, single submitter. Criteria: ACMG Guidelines, 2015. Collection method: clinical testing. Allele origin: germline.
Comment: This variant causes an in-frame deletion of two amino acids at codons 1930 and 1931 in the DSP protein. To our knowledge, functional studies have not been reported for this variant. This variant has not been reported in individuals affected with DSP-related disorders in the literature. This variant has been identified in 1/250868 chromosomes in the general population by the Genome Aggregation Database (gnomAD). The available evidence is insufficient to determine the role of this variant in disease conclusively. Therefore, this variant is classified as a Variant of Uncertain Significance.

NM_004415.4(DSP):c.5788_5793del (p.Thr1930_Glu1931del)

Gene: DSP (desmoplakin; plus strand). Cytogenetic location: 6p24.3.
Variant type: Deletion.
Coding change: c.5788_5793del on transcript NM_004415.4 (MANE Select); coding-DNA positions 5788 to 5793, 6 bases deleted (ACAGAA; older notation c.5788_5793delACAGAA).
Protein change: p.Thr1930_Glu1931del.
Molecular consequence: inframe deletion.
Genome position (GRCh38, 1-based): chr6:7,583,050-7,583,055, ACAGAA deleted; deleting any 6 consecutive bases within chr6:7,583,046-7,583,055 gives the same sequence; the c. name uses the placement nearest the transcript's 3' end. VCF-style (leftmost placement, unchanged base first): chr6-7583045-TAGAAAC-T. GRCh37 (hg19) VCF-style: chr6-7583278-TAGAAAC-T.
Other names: c.3991_3996del, p.Thr1331_Glu1332del (NM_001008844.3); c.4459_4464del, p.Thr1487_Glu1488del (NM_001319034.2).
Identifiers: ClinVar variation 3075013 (VCV003075013.4), dbSNP rs1307051071, ClinGen allele CA565358152.
Genomic context (GRCh38, chr6:7,583,045, plus strand): 5'-GAATTGAAGAGAGGTGCAGGCGTAAGCTGGAGGATTCTACCAGGGAGACACAGTCACAGT[TAGAAAC>T]AGAACGCTCCCGATATCAGAGGGAGATTGATAAACTCAGACAGCGCCCATATGGGTCCCA-3'